The following is an entry in ClinVar:

ClinVar aggregate classification (germline): Uncertain significance (1 of 4 stars; one submission).

Conditions:
Hypertrophic cardiomyopathy. Also called: HYPERTROPHIC MYOCARDIOPATHY. Identifiers: Orphanet 217569, MedGen C0007194, MeSH D002312, MONDO:0005045, HP:0001639.

Submission:

Labcorp Genetics (formerly Invitae), Labcorp
Classification: Uncertain significance for Hypertrophic cardiomyopathy. Last evaluated: 2023-03-07. Review status: criteria provided, single submitter. Criteria: Invitae Variant Classification Sherloc (09022015). Collection method: clinical testing. Allele origin: germline.
Comment: Advanced modeling of protein sequence and biophysical properties (such as structural, functional, and spatial information, amino acid conservation, physicochemical variation, residue mobility, and thermodynamic stability) performed at Invitae indicates that this missense variant is expected to disrupt MYH7 protein function. This sequence change replaces alanine, which is neutral and non-polar, with proline, which is neutral and non-polar, at codon 1336 of the MYH7 protein (p.Ala1336Pro). This variant is not present in population databases (gnomAD no frequency). This variant has not been reported in the literature in individuals affected with MYH7-related conditions. In summary, the available evidence is currently insufficient to determine the role of this variant in disease. Therefore, it has been classified as a Variant of Uncertain Significance.

NM_000257.4(MYH7):c.4006G>C (p.Ala1336Pro)

Gene: MYH7 (myosin heavy chain 7; minus strand). Cytogenetic location: 14q11.2.
Variant type: single nucleotide variant.
Coding change: c.4006G>C on transcript NM_000257.4 (MANE Select); coding-DNA position 4006, G replaced by C.
Protein change: p.Ala1336Pro; replaces alanine 1336 with proline.
Molecular consequence: missense variant.
Genome position (GRCh38, 1-based): chr14:23,418,373, C>G on the plus strand (G>C on the coding strand, the complement: MYH7 is on the minus strand). VCF-style: chr14-23418373-C-G. GRCh37 (hg19) VCF-style: chr14-23887582-C-G.
Other names: c.4006G>C, p.Ala1336Pro (NM_001407004.1); short protein forms A1336P.
Identifiers: ClinVar variation 2843442 (VCV002843442.3), dbSNP rs1892320047, ClinGen allele CA389041245.